The following is an entry in ClinVar:

NM_001376.5(DYNC1H1):c.5971_5973del (p.Asp1991del)

Gene: DYNC1H1 (dynein cytoplasmic 1 heavy chain 1; plus strand). Cytogenetic location: 14q32.31.
Variant type: Deletion.
Coding change: c.5971_5973del on transcript NM_001376.5 (MANE Select); coding-DNA positions 5971 to 5973, 3 bases deleted (GAC; older notation c.5971_5973delGAC).
Protein change: p.Asp1991del; deletes aspartic acid 1991.
Molecular consequence: inframe deletion.
Genome position (GRCh38, 1-based): chr14:102,008,331-102,008,333, GAC deleted; deleting any 3 consecutive bases within chr14:102,008,329-102,008,333 gives the same sequence; the c. name uses the placement nearest the transcript's 3' end. VCF-style (leftmost placement, unchanged base first): chr14-102008328-TACG-T. GRCh37 (hg19) VCF-style: chr14-102474665-TACG-T.
Other names: short protein forms D1991del.
Identifiers: ClinVar variation 859945 (VCV000859945.9), dbSNP rs1278877639, ClinGen allele CA487969990.

ClinVar aggregate classification (germline): Uncertain significance (1 of 4 stars; one submission).

Conditions:
Charcot-Marie-Tooth disease axonal type 2O. Also called: Charcot-Marie-Tooth disease, axonal, type 20; CHARCOT-MARIE-TOOTH DISEASE, AXONAL, AUTOSOMAL DOMINANT, TYPE 2O; CHARCOT-MARIE-TOOTH NEUROPATHY, AXONAL, TYPE 2O; Charcot-Marie-Tooth Neuropathy Type 2O. Identifiers: Orphanet 284232, MedGen C3280220, MONDO:0013644, OMIM 614228.

Submission:

Labcorp Genetics (formerly Invitae), Labcorp
Classification: Uncertain significance for Charcot-Marie-Tooth disease axonal type 2O. Last evaluated: 2025-10-10. Review status: criteria provided, single submitter. Criteria: Invitae Variant Classification Sherloc (09022015). Collection method: clinical testing. Allele origin: germline.
Comment: This variant, c.5971_5973del, results in the deletion of 1 amino acid(s) of the DYNC1H1 protein (p.Asp1991del), but otherwise preserves the integrity of the reading frame. This variant is present in population databases (no rsID available, gnomAD 0.0009%). This variant has not been reported in the literature in individuals affected with DYNC1H1-related conditions. ClinVar contains an entry for this variant (Variation ID: 859945). Experimental studies and prediction algorithms are not available or were not evaluated, and the functional significance of this variant is currently unknown. In summary, the available evidence is currently insufficient to determine the role of this variant in disease. Therefore, it has been classified as a Variant of Uncertain Significance.